The following is an entry in ClinVar:

ClinVar aggregate classification (germline): Conflicting classifications of pathogenicity. Review status: criteria provided, conflicting classifications (1 of 4 stars). 4 submissions from 4 submitters: Uncertain significance (3); Likely benign (1). Last evaluated 2025-06-17.

Conditions:
Hereditary breast ovarian cancer syndrome. Also called: Breast and ovarian cancer; Hereditary breast and ovarian cancer syndrome (HBOC); Hereditary breast and ovarian cancer; Hereditary breast and/or ovarian cancer syndrome; BRCA1- and BRCA2-Associated Hereditary Breast and Ovarian Cancer; Hereditary breast and ovarian cancer syndrome. Identifiers: Orphanet 145, MedGen C0677776, MeSH D061325, MONDO:0003582. Disease mechanism: loss of function.
BRCA2-related cancer predisposition. Identifiers: MedGen CN377758, MONDO:0700269.
Hereditary cancer-predisposing syndrome. Also called: Hereditary Cancer Syndrome; Neoplastic Syndromes, Hereditary; Tumor predisposition; Hereditary neoplastic syndrome. Identifiers: Orphanet 140162, MedGen C0027672, MeSH D009386, MONDO:0015356.

gnomAD v4.1: 1 of 1,614,088 alleles (0.000062%); highest among the groups gnomAD compares: Non-Finnish European, 0.000085%; no homozygotes.

Submissions (4):

Quest Diagnostics Nichols Institute San Juan Capistrano
Classification: Uncertain significance. Last evaluated: 2025-06-17. Review status: criteria provided, single submitter. Criteria: Quest Diagnostics criteria. Collection method: clinical testing. Allele origin: unknown.
Comment: The BRCA2 c.9547A>C (p.Ile3183Leu) variant has been reported in the published literature in a reportedly unaffected individual (PMID: 29641532 (2018)) and showed benign effect in saturation genome editing assays measuring DNA repair-dependent cell survival (PMIDs: 39779857 (2025)). This variant has not been reported in large, multi-ethnic general populations (Genome Aggregation Database). Analysis of this variant using bioinformatics tools for the prediction of the effect of amino acid changes on protein structure and function yielded predictions that this variant is benign. Based on the available information, we are unable to determine the clinical significance of this variant.

All of Us Research Program, National Institutes of Health
Classification: Uncertain significance for BRCA2-related cancer predisposition. Last evaluated: 2024-09-23. Review status: criteria provided, single submitter. Criteria: ACMG Guidelines, 2015. Collection method: clinical testing. Allele origin: germline. Inheritance: Autosomal dominant inheritance. Observed: 1 variant allele, 1 heterozygote.
Comment: This study involves interpretation of variants in research participants for the purpose of population health screening. Participant phenotype was not available at the time of variant classification. Additional details can be found in publication PMID: 35346344, PMCID: PMC8962531

Labcorp Genetics (formerly Invitae), Labcorp
Classification: Uncertain significance for Hereditary breast ovarian cancer syndrome. Last evaluated: 2022-10-10. Review status: criteria provided, single submitter. Criteria: Invitae Variant Classification Sherloc (09022015). Collection method: clinical testing. Allele origin: germline.
Comment: In summary, the available evidence is currently insufficient to determine the role of this variant in disease. Therefore, it has been classified as a Variant of Uncertain Significance. Advanced modeling of protein sequence and biophysical properties (such as structural, functional, and spatial information, amino acid conservation, physicochemical variation, residue mobility, and thermodynamic stability) performed at Invitae indicates that this missense variant is not expected to disrupt BRCA2 protein function. ClinVar contains an entry for this variant (Variation ID: 1021594). This variant has not been reported in the literature in individuals affected with BRCA2-related conditions. This variant is not present in population databases (gnomAD no frequency). This sequence change replaces isoleucine, which is neutral and non-polar, with leucine, which is neutral and non-polar, at codon 3183 of the BRCA2 protein (p.Ile3183Leu).

Ambry Genetics
Classification: Likely benign for Hereditary cancer-predisposing syndrome. Last evaluated: 2020-12-17. Review status: criteria provided, single submitter. Criteria: Ambry Variant Classification Scheme 2023. Collection method: clinical testing. Allele origin: germline.

Literature cited by the submitters: PubMed 29641532 (cited by Quest Diagnostics Nichols Institute San Juan Capistrano); PubMed 39779857 (cited by Quest Diagnostics Nichols Institute San Juan Capistrano); PubMed 35729312 (cited by Quest Diagnostics Nichols Institute San Juan Capistrano).

NM_000059.4(BRCA2):c.9547A>C (p.Ile3183Leu)

Gene: BRCA2 (BRCA2 DNA repair associated; plus strand). Cytogenetic location: 13q13.1.
Variant type: single nucleotide variant.
Coding change: c.9547A>C on transcript NM_000059.4 (MANE Select); coding-DNA position 9547, A replaced by C.
Protein change: p.Ile3183Leu; replaces isoleucine 3183 with leucine.
Molecular consequence: missense variant.
Genome position (GRCh38, 1-based): chr13:32,396,943, A>C. VCF-style: chr13-32396943-A-C. GRCh37 (hg19) VCF-style: chr13-32971080-A-C.
Other names: short protein forms I3183L.
Identifiers: ClinVar variation 1021594 (VCV001021594.11), dbSNP rs377123889, ClinGen allele CA387763179.